The following is an entry in ClinVar:

NM_001370785.2(LRRC7):c.2377C>T (p.Pro793Ser)

Genes: LRRC7 (leucine rich repeat containing 7; plus strand), LRRC7-AS1 (LRRC7 antisense RNA 1; minus strand). Cytogenetic location: 1p31.1.
Variant type: single nucleotide variant.
Coding change: c.2377C>T on transcript NM_001370785.2 (MANE Select); coding-DNA position 2377, C replaced by T.
Protein change: p.Pro793Ser; replaces proline 793 with serine.
Molecular consequence: missense variant. On other transcripts: non-coding transcript variant (1).
Genome position (GRCh38, 1-based): chr1:70,038,201, C>T. VCF-style: chr1-70038201-C-T. GRCh37 (hg19) VCF-style: chr1-70503884-C-T.
Other names: c.2278C>T, p.Pro760Ser (NM_001330635.3, NM_001366841.1); c.2380C>T, p.Pro794Ser (NM_001350216.3); c.2377C>T, p.Pro793Ser (NM_001366838.3); c.2218C>T, p.Pro740Ser (NM_001366839.3); short protein forms P740S, P760S, P793S, P794S.
Identifiers: ClinVar variation 4681438 (VCV004681438.5).

ClinVar aggregate classification (germline): Likely benign (1 of 4 stars; one submission).

gnomAD v4.1: 842 of 1,614,140 alleles (0.052%); highest among the groups gnomAD compares: South Asian, 0.89%; 7 homozygotes.

Submission:

CeGaT Center for Human Genetics Tuebingen
Classification: Likely benign. Last evaluated: 2025-12-01. Review status: criteria provided, single submitter. Criteria: CeGaT Center For Human Genetics Tuebingen Variant Classification Criteria Version 2. Collection method: clinical testing. Allele origin: germline. Affected: yes. Observed: 1 variant allele.
Comment: LRRC7: BP4, BS1